The following is an entry in ClinVar:

NM_031935.3(HMCN1):c.15688+4A>G

Gene: HMCN1 (hemicentin 1; plus strand). Cytogenetic location: 1q31.1.
Variant type: single nucleotide variant.
Coding change: c.15688+4A>G on transcript NM_031935.3 (MANE Select); 4 bases into the intron after coding-DNA position 15688, A replaced by G.
Molecular consequence: intron variant.
Genome position (GRCh38, 1-based): chr1:186,171,454, A>G. VCF-style: chr1-186171454-A-G. GRCh37 (hg19) VCF-style: chr1-186140586-A-G.
Identifiers: ClinVar variation 3641604 (VCV003641604.2).

ClinVar aggregate classification (germline): Uncertain significance (1 of 4 stars; one submission).

Submission:

Labcorp Genetics (formerly Invitae), Labcorp
Classification: Uncertain significance. Last evaluated: 2024-02-17. Review status: criteria provided, single submitter. Criteria: Invitae Variant Classification Sherloc (09022015). Collection method: clinical testing. Allele origin: germline.
Comment: This sequence change falls in intron 101 of the HMCN1 gene. It does not directly change the encoded amino acid sequence of the HMCN1 protein. It affects a nucleotide within the consensus splice site. This variant is not present in population databases (gnomAD no frequency). This variant has not been reported in the literature in individuals affected with HMCN1-related conditions. Variants that disrupt the consensus splice site are a relatively common cause of aberrant splicing (PMID: 17576681, 9536098). Algorithms developed to predict the effect of sequence changes on RNA splicing suggest that this variant may disrupt the consensus splice site. In summary, the available evidence is currently insufficient to determine the role of this variant in disease. Therefore, it has been classified as a Variant of Uncertain Significance.

Literature cited by the submitters: PubMed 17576681; PubMed 9536098.